The following is an entry in ClinVar:

ClinVar aggregate classification (germline): Uncertain significance. Review status: criteria provided, multiple submitters, no conflicts (2 of 4 stars). 4 submissions from 4 submitters: Uncertain significance (4). Last evaluated 2025-07-21.

Conditions:
Inborn genetic diseases. Identifiers: MedGen C0950123, MeSH D030342.
Hereditary spastic paraplegia 47. Also called: Spastic paraplegia 47, autosomal recessive; CEREBRAL PALSY, SPASTIC QUADRIPLEGIC, 5; adaptor protein 4 (AP-4) deficiency syndrome. Identifiers: Orphanet 280763, MedGen C3279738, MONDO:0013551, OMIM 614066.

Allele frequency attached by ClinVar (database versions not stated): gnomAD 0.00001; gnomAD exomes 0.00002; TOPMed 0.00002.

Submissions (4):

Labcorp Genetics (formerly Invitae), Labcorp
Classification: Uncertain significance for Hereditary spastic paraplegia 47. Last evaluated: 2025-07-21. Review status: criteria provided, single submitter. Criteria: Invitae Variant Classification Sherloc (09022015). Collection method: clinical testing. Allele origin: germline.
Comment: This sequence change replaces methionine, which is neutral and non-polar, with threonine, which is neutral and polar, at codon 509 of the AP4B1 protein (p.Met509Thr). This variant is present in population databases (no rsID available, gnomAD 0.01%). This variant has not been reported in the literature in individuals affected with AP4B1-related conditions. ClinVar contains an entry for this variant (Variation ID: 589638). Invitae Evidence Modeling of protein sequence and biophysical properties (such as structural, functional, and spatial information, amino acid conservation, physicochemical variation, residue mobility, and thermodynamic stability) indicates that this missense variant is not expected to disrupt AP4B1 protein function with a negative predictive value of 80%. In summary, the available evidence is currently insufficient to determine the role of this variant in disease. Therefore, it has been classified as a Variant of Uncertain Significance.

Genome-Nilou Lab
Classification: Uncertain significance for Hereditary spastic paraplegia 47. Last evaluated: 2023-04-11. Review status: criteria provided, single submitter. Criteria: ACMG Guidelines, 2015. Collection method: clinical testing. Allele origin: germline. Affected: no.

CeGaT Center for Human Genetics Tuebingen
Classification: Uncertain significance. Last evaluated: 2017-06-01. Review status: criteria provided, single submitter. Criteria: CeGaT Center For Human Genetics Tuebingen Variant Classification Criteria Version 2. Collection method: clinical testing. Allele origin: germline. Affected: yes. Observed: 1 variant allele.

Ambry Genetics
Classification: Uncertain significance for Inborn genetic diseases. Last evaluated: 2017-05-18. Review status: criteria provided, single submitter. Criteria: Ambry Variant Classification Scheme 2023. Collection method: clinical testing. Allele origin: germline.
Comment: The p.M509T variant (also known as c.1526T>C), located in coding exon 9 of the AP4B1 gene, results from a T to C substitution at nucleotide position 1526. The methionine at codon 509 is replaced by threonine, an amino acid with similar properties. This amino acid position is highly conserved in available vertebrate species. In addition, the in silico prediction for this alteration is inconclusive. Since supporting evidence is limited at this time, the clinical significance of this alteration remains unclear.

NM_001253852.3(AP4B1):c.1526T>C (p.Met509Thr)

Genes: AP4B1 (adaptor related protein complex 4 subunit beta 1; minus strand), AP4B1-AS1 (AP4B1 antisense RNA 1; plus strand). Cytogenetic location: 1p13.2.
Variant type: single nucleotide variant.
Coding change: c.1526T>C on transcript NM_001253852.3 (MANE Select); coding-DNA position 1526, T replaced by C.
Protein change: p.Met509Thr; replaces methionine 509 with threonine.
Molecular consequence: missense variant.
Genome position (GRCh38, 1-based): chr1:113,896,023, A>G on the plus strand (T>C on the coding strand, the complement: AP4B1 is on the minus strand). VCF-style: chr1-113896023-A-G. GRCh37 (hg19) VCF-style: chr1-114438645-A-G.
Other names: c.1229T>C, p.Met410Thr (NM_001253853.3); c.1022T>C, p.Met341Thr (NM_001308312.2); c.1526T>C, p.Met509Thr (NM_006594.5); short protein forms M509T, M410T, M341T.
Identifiers: ClinVar variation 589638 (VCV000589638.50), dbSNP rs1043676103, ClinGen allele CA28995199.